The following is an entry in ClinVar:

ClinVar aggregate classification (germline): Uncertain significance (1 of 4 stars; one submission).

Conditions:
Parathyroid carcinoma (PRTC). Also called: Parathyroid gland carcinoma; CDC73-Related Parathyroid Carcinoma. Identifiers: Orphanet 143, MedGen C0687150, MONDO:0012004, OMIM 608266, HP:0006780.

Allele frequency attached by ClinVar (database versions not stated): TOPMed below 0.00001.

Submission:

Labcorp Genetics (formerly Invitae), Labcorp
Classification: Uncertain significance for Parathyroid carcinoma. Last evaluated: 2022-12-12. Review status: criteria provided, single submitter. Criteria: Invitae Variant Classification Sherloc (09022015). Collection method: clinical testing. Allele origin: germline.
Comment: In summary, the available evidence is currently insufficient to determine the role of this variant in disease. Therefore, it has been classified as a Variant of Uncertain Significance. Advanced modeling of protein sequence and biophysical properties (such as structural, functional, and spatial information, amino acid conservation, physicochemical variation, residue mobility, and thermodynamic stability) performed at Invitae indicates that this missense variant is not expected to disrupt CDC73 protein function. This variant has not been reported in the literature in individuals affected with CDC73-related conditions. This variant is not present in population databases (gnomAD no frequency). This sequence change replaces glutamine, which is neutral and polar, with leucine, which is neutral and non-polar, at codon 166 of the CDC73 protein (p.Gln166Leu).

NM_024529.5(CDC73):c.497A>T (p.Gln166Leu)

Gene: CDC73 (cell division cycle 73; plus strand). Cytogenetic location: 1q31.2.
Variant type: single nucleotide variant.
Coding change: c.497A>T on transcript NM_024529.5 (MANE Select); coding-DNA position 497, A replaced by T.
Protein change: p.Gln166Leu; replaces glutamine 166 with leucine.
Molecular consequence: missense variant.
Genome position (GRCh38, 1-based): chr1:193,138,158, A>T. VCF-style: chr1-193138158-A-T. GRCh37 (hg19) VCF-style: chr1-193107288-A-T.
Other names: short protein forms Q166L.
Identifiers: ClinVar variation 2820229 (VCV002820229.3), dbSNP rs1675833302, ClinGen allele CA343961337.